The following is an entry in ClinVar:

ClinVar aggregate classification (germline): Uncertain significance (1 of 4 stars; one submission).

Allele frequency attached by ClinVar (database versions not stated): TOPMed 0.00002; ExAC 0.00004; gnomAD exomes 0.00004.

Submission:

Labcorp Genetics (formerly Invitae), Labcorp
Classification: Uncertain significance. Last evaluated: 2025-12-21. Review status: criteria provided, single submitter. Criteria: Invitae Variant Classification Sherloc (09022015). Collection method: clinical testing. Allele origin: germline.
Comment: This sequence change replaces valine, which is neutral and non-polar, with alanine, which is neutral and non-polar, at codon 448 of the PLTP protein (p.Val448Ala). This variant is present in population databases (rs766917794, gnomAD 0.008%). This variant has not been reported in the literature in individuals affected with PLTP-related conditions. ClinVar contains an entry for this variant (Variation ID: 2181717). An algorithm developed to predict the effect of missense changes on protein structure and function (PolyPhen-2) suggests that this variant is likely to be disruptive. In summary, the available evidence is currently insufficient to determine the role of this variant in disease. Therefore, it has been classified as a Variant of Uncertain Significance.

NM_006227.4(PLTP):c.1343T>C (p.Val448Ala)

Gene: PLTP (phospholipid transfer protein; minus strand). Cytogenetic location: 20q13.12.
Variant type: single nucleotide variant.
Coding change: c.1343T>C on transcript NM_006227.4 (MANE Select); coding-DNA position 1343, T replaced by C.
Protein change: p.Val448Ala; replaces valine 448 with alanine.
Molecular consequence: missense variant.
Genome position (GRCh38, 1-based): chr20:45,899,478, A>G on the plus strand (T>C on the coding strand, the complement: PLTP is on the minus strand). VCF-style: chr20-45899478-A-G. GRCh37 (hg19) VCF-style: chr20-44528117-A-G.
Other names: c.1058T>C, p.Val353Ala (NM_001242920.2); c.1079T>C, p.Val360Ala (NM_001242921.1); c.1187T>C, p.Val396Ala (NM_182676.3); short protein forms V353A, V448A, V396A, V360A.
Identifiers: ClinVar variation 2181717 (VCV002181717.4), dbSNP rs766917794, ClinGen allele CA9883490.